The following is an entry in ClinVar:

NM_003801.4(GPAA1):c.602ATGTCA[1] (p.Asn203_Val204del)

Gene: GPAA1 (glycosylphosphatidylinositol anchor attachment 1; plus strand). Cytogenetic location: 8q24.3.
Variant type: Microsatellite.
Coding change: c.602ATGTCA[1] on transcript NM_003801.4 (MANE Select); one copy of the 6-base unit ATGTCA starting at c.602; the reference has two copies in a row; one copy, 6 bases deleted.
Protein change: p.Asn203_Val204del.
Molecular consequence: inframe deletion.
Genome position (GRCh38, 1-based): chr8:144,084,032-144,084,037, ATGTCA deleted; deleting any 6 consecutive bases within chr8:144,084,026-144,084,037 gives the same sequence; the position shown is the placement nearest the transcript's 3' end. VCF-style (leftmost placement, unchanged base first): chr8-144084025-GATGTCA-G. GRCh37 (hg19) VCF-style: chr8-145138928-GATGTCA-G.
Other names: c.608_613del6 (NM_003801.3).
Identifiers: ClinVar variation 1399399 (VCV001399399.7), dbSNP rs782247339, ClinGen allele CA4932865.

ClinVar aggregate classification (germline): Uncertain significance. Review status: criteria provided, single submitter (1 of 4 stars). 2 submissions from 2 submitters: Uncertain significance (1). 1 of the submissions does not count toward it. Last evaluated 2023-08-18.

Conditions:
GPAA1-related disorder. Also called: GPAA1-related condition.

Submissions (2):

Labcorp Genetics (formerly Invitae), Labcorp
Classification: Uncertain significance. Last evaluated: 2023-08-18. Review status: criteria provided, single submitter. Criteria: Invitae Variant Classification Sherloc (09022015). Collection method: clinical testing. Allele origin: germline.
Comment: In summary, the available evidence is currently insufficient to determine the role of this variant in disease. Therefore, it has been classified as a Variant of Uncertain Significance. Experimental studies and prediction algorithms are not available or were not evaluated, and the functional significance of this variant is currently unknown. This variant has not been reported in the literature in individuals affected with GPAA1-related conditions. This variant is present in population databases (rs782247339, gnomAD 0.01%). This variant, c.608_613del, results in the deletion of 2 amino acid(s) of the GPAA1 protein (p.Asn203_Val204del), but otherwise preserves the integrity of the reading frame.

PreventionGenetics, part of Exact Sciences
Classification: Uncertain significance for GPAA1-related condition. Last evaluated: 2024-09-24. Review status: no assertion criteria provided. Collection method: clinical testing. Allele origin: germline. Not counted in ClinVar's aggregate classification.
Comment: The GPAA1 c.608_613del6 variant is predicted to result in an in-frame deletion (p.Asn203_Val204del). To our knowledge, this variant has not been reported in the literature. This variant is reported in 0.011% of alleles in individuals of European (Non-Finnish) descent in gnomAD. At this time, the clinical significance of this variant is uncertain due to the absence of conclusive functional and genetic evidence.